The following is an entry in ClinVar:

NM_020988.3(GNAO1):c.286G>C (p.Gly96Arg)

Gene: GNAO1 (G protein subunit alpha o1; plus strand). Cytogenetic location: 16q13.
Variant type: single nucleotide variant.
Coding change: c.286G>C on transcript NM_020988.3 (MANE Select); coding-DNA position 286, G replaced by C.
Protein change: p.Gly96Arg; replaces glycine 96 with arginine.
Molecular consequence: missense variant.
Genome position (GRCh38, 1-based): chr16:56,276,055, G>C. VCF-style: chr16-56276055-G-C. GRCh37 (hg19) VCF-style: chr16-56309967-G-C.
Other names: c.286G>C, p.Gly96Arg (NM_138736.3); short protein forms G96R.
Identifiers: ClinVar variation 1718374 (VCV001718374.5), dbSNP rs559674838, ClinGen allele CA396128232.
Genomic context (GRCh38, chr16:56,276,055, plus strand): 5'-AACACTATCCAGTCCCTGGCAGCCATCGTCCGGGCCATGGACACTTTGGGCATCGAATAT[G>C]GTGATAAGGAGAGAAAGGTAGGCCCCTGAGCCCATAAGCACAGCAACAAGAGGTTCTGTC-3'
Protein context (NP_066268.1, residues 86-106): RAMDTLGIEY[Gly96Arg]DKERKADAKM

ClinVar aggregate classification (germline): Uncertain significance (1 of 4 stars; one submission).

Conditions:
Early-infantile DEE. Also called: Early infantile epileptic encephalopathy with suppression bursts; Early infantile epileptic encephalopathy; Ohtahara syndrome. Identifiers: Orphanet 1934, MedGen C0393706, MONDO:0800491.

Submission:

Labcorp Genetics (formerly Invitae), Labcorp
Classification: Uncertain significance for Early-infantile DEE. Last evaluated: 2022-08-30. Review status: criteria provided, single submitter. Criteria: Invitae Variant Classification Sherloc (09022015). Collection method: clinical testing. Allele origin: germline.
Comment: In summary, the available evidence is currently insufficient to determine the role of this variant in disease. Therefore, it has been classified as a Variant of Uncertain Significance. Advanced modeling of protein sequence and biophysical properties (such as structural, functional, and spatial information, amino acid conservation, physicochemical variation, residue mobility, and thermodynamic stability) performed at Invitae indicates that this missense variant is not expected to disrupt GNAO1 protein function. This variant has not been reported in the literature in individuals affected with GNAO1-related conditions. This variant is not present in population databases (gnomAD no frequency). This sequence change replaces glycine, which is neutral and non-polar, with arginine, which is basic and polar, at codon 96 of the GNAO1 protein (p.Gly96Arg).